The following is an entry in ClinVar:

NM_001348323.3(TRIP12):c.3987A>G (p.Gly1329=)

Gene: TRIP12 (thyroid hormone receptor interactor 12; minus strand). Cytogenetic location: 2q36.3.
Variant type: single nucleotide variant.
Coding change: c.3987A>G on transcript NM_001348323.3 (MANE Select); coding-DNA position 3987, A replaced by G.
Protein change: p.Gly1329=; no amino-acid change (glycine 1329 retained).
Molecular consequence: synonymous variant.
Genome position (GRCh38, 1-based): chr2:229,793,127, T>C on the plus strand (A>G on the coding strand, the complement: TRIP12 is on the minus strand). VCF-style: chr2-229793127-T-C. GRCh37 (hg19) VCF-style: chr2-230657843-T-C.
Other names: c.3906A>G, p.Gly1302= (NM_001284214.2, NM_001348315.2); c.3861A>G, p.Gly1287= (NM_001284215.2, NM_001348316.2); c.2952A>G, p.Gly984= (NM_001284216.2); c.3846A>G, p.Gly1282= (NM_001348317.1, NM_001348318.2); c.3972A>G, p.Gly1324= (NM_001348319.1, NM_001348320.2); c.3975A>G, p.Gly1325= (NM_001348321.1); c.3987A>G, p.Gly1329= (NM_001348322.1, NM_001348324.2, NM_001348325.2 and 2 more transcripts); c.3990A>G, p.Gly1330= (NM_001348328.1, NM_001348329.2, NM_001348330.2); and 4 more.
Identifiers: ClinVar variation 4533829 (VCV004533829.6).
Genomic context (GRCh38, chr2:229,793,127, plus strand): 5'-TGGATGCCTTTGTAACTGGCATTTTAATTGATGTGTGTTGAAAAATTTTAAAGCCTGTGA[T>C]CCTCTGTTGAGAGAAAAGCTCAAGATAATTTGTGAAAAAAAAGTTAGTCTATTATTTTCA-3'
Protein context (NP_001335252.1, residues 1319-1339): GTGGSFSLNR[Gly1329=]SQALKFFNTH

ClinVar aggregate classification (germline): Likely benign (1 of 4 stars; one submission).

gnomAD v4.1: 71 of 1,613,094 alleles (0.0044%); highest among the groups gnomAD compares: Non-Finnish European, 0.006%; no homozygotes.

Submission:

CeGaT Center for Human Genetics Tuebingen
Classification: Likely benign. Last evaluated: 2025-11-01. Review status: criteria provided, single submitter. Criteria: CeGaT Center For Human Genetics Tuebingen Variant Classification Criteria Version 2. Collection method: clinical testing. Allele origin: germline. Affected: yes. Observed: 1 variant allele.
Comment: TRIP12: BP4, BS2